The following is an entry in ClinVar:

ClinVar aggregate classification (germline): Likely pathogenic. Review status: criteria provided, multiple submitters, no conflicts (2 of 4 stars). 3 submissions from 3 submitters: Likely pathogenic (3). Last evaluated 2023-04-06.

Conditions:
SERPING1-related disorder. Also called: SERPING1-related condition.
Inborn genetic diseases. Identifiers: MedGen C0950123, MeSH D030342.
Hereditary angioedema type 1 (HAE1). Identifiers: Orphanet 100050, Orphanet 100051, Orphanet 91378, MedGen C2717906, MONDO:0015053, OMIM 106100.

Submissions (3):

PreventionGenetics, part of Exact Sciences
Classification: Likely pathogenic for SERPING1-related condition. Last evaluated: 2023-04-06. Review status: criteria provided, single submitter. Criteria: ACMG Guidelines, 2015. Collection method: clinical testing. Allele origin: germline.
Comment: The SERPING1 c.890-14C>G variant is predicted to interfere with splicing. This variant is predicted to have a minor impact on splicing based on available splicing prediction programs (Alamut Visual Plus v1.6.1). This variant was reported in an individual with hereditary angioedema (Table E3, No 23, Speletas et al. 2015. PubMed ID: 25258140). This variant has not been reported in a large population database, indicating this variant is rare, and is reported as likely pathogenic by two laboratories in ClinVar. Taken together, this variant is interpreted as likely pathogenic.

Ambry Genetics
Classification: Likely pathogenic for Inborn genetic diseases. Last evaluated: 2016-07-15. Review status: criteria provided, single submitter. Criteria: Ambry Variant Classification Scheme 2023. Collection method: clinical testing. Allele origin: germline.
Comment: The c.890-14C>G intronic variant results from a C to G substitution 14 nucleotides upstream from coding exon 5 in the SERPING1 gene. This variant was not reported in population based cohorts in the following databases: Database of Single Nucleotide Polymorphisms (dbSNP), NHLBI Exome Sequencing Project (ESP), and 1000 Genomes Project. In the ESP, this variant was not observed in 6497 samples (12994 alleles) with coverage at this position. This nucleotide position is not well conserved in available vertebrate species. Using the Human Splicing Finder (HSF) splice site prediction tool, this alteration is predicted to introduce a novel splice acceptor site, with similar strength to the native acceptor site; however, direct evidence is unavailable (Desmet FO et al. Nucleic Acids Res. 2009 May;37(9):e67). Based on the majority of available evidence to date, this variant is likely to be pathogenic.

CeMIA
Classification: Likely pathogenic for Hereditary angioedema type 1. Review status: criteria provided, single submitter. Criteria: ACMG Guidelines, 2015. Collection method: clinical testing. Allele origin: germline. Affected: yes. Observed: 5 variant alleles.
Comment: The c.890-14C>G variant has been previously reported in association with hereditary angioedema in the literature (Speletas M et al, 2015). It was detected by our laboratory in five C1-INH HAE Type I patients, members of a Greek family, while it was absent from all of the 2 healthy family members. It was not detected amongst the 31360 individuals of the Genome Aggregation Database (gnomAD), indicating that it is not a common variant. The bioinformatic tools HSF and NetGene 2 have shown that the c.890-14C>G variant introduces in the genome a new acceptor site. Taking all the above into account and according to ACMG Guidelines (Criteria: PM2, PP1, PP2, PP3, PP4) the variant is considered likely pathogenic.

Literature cited by the submitters: PubMed 25258140 (cited by Ambry Genetics).

NM_000062.3(SERPING1):c.890-14C>G

Gene: SERPING1 (serpin family G member 1; plus strand). Cytogenetic location: 11q12.1.
Variant type: single nucleotide variant.
Coding change: c.890-14C>G on transcript NM_000062.3 (MANE Select); 14 bases into the intron before coding-DNA position 890, C replaced by G.
Molecular consequence: intron variant.
Genome position (GRCh38, 1-based): chr11:57,606,394, C>G. VCF-style: chr11-57606394-C-G. GRCh37 (hg19) VCF-style: chr11-57373867-C-G.
Other names: c.890-14C>G (NM_001032295.2).
Identifiers: ClinVar variation 1064580 (VCV001064580.5), dbSNP rs2135318127, ClinGen allele CA380699979.